The following is an entry in ClinVar:

ClinVar aggregate classification (germline): Uncertain significance (1 of 4 stars; one submission).

Submission:

Labcorp Genetics (formerly Invitae), Labcorp
Classification: Uncertain significance. Last evaluated: 2021-03-20. Review status: criteria provided, single submitter. Criteria: Invitae Variant Classification Sherloc (09022015). Collection method: clinical testing. Allele origin: germline.
Comment: In summary, the available evidence is currently insufficient to determine the role of this variant in disease. Therefore, it has been classified as a Variant of Uncertain Significance. Algorithms developed to predict the effect of missense changes on protein structure and function are either unavailable or do not agree on the potential impact of this missense change (SIFT: "Not Available"; PolyPhen-2: "Probably Damaging"; Align-GVGD: "Not Available"). This variant has not been reported in the literature in individuals with TCF3-related conditions. This variant is not present in population databases (ExAC no frequency). This sequence change replaces glycine with cysteine at codon 275 of the TCF3 protein (p.Gly275Cys). The glycine residue is weakly conserved and there is a large physicochemical difference between glycine and cysteine.

NM_003200.5(TCF3):c.823G>T (p.Gly275Cys)

Gene: TCF3 (transcription factor 3; minus strand). Cytogenetic location: 19p13.3.
Variant type: single nucleotide variant.
Coding change: c.823G>T on transcript NM_003200.5 (MANE Select); coding-DNA position 823, G replaced by T.
Protein change: p.Gly275Cys; replaces glycine 275 with cysteine.
Molecular consequence: missense variant.
Genome position (GRCh38, 1-based): chr19:1,621,970, C>A on the plus strand (G>T on the coding strand, the complement: TCF3 is on the minus strand). VCF-style: chr19-1621970-C-A. GRCh37 (hg19) VCF-style: chr19-1621969-C-A.
Other names: c.823G>T, p.Gly275Cys (NM_001136139.4, NM_001351778.2, NM_001351779.2); short protein forms G275C.
Identifiers: ClinVar variation 1464019 (VCV001464019.6), dbSNP rs1445443955, ClinGen allele CA403055306.